The following is an entry in ClinVar:

NM_001083111.2(GNRH1):c.194C>T (p.Thr65Met)

Gene: GNRH1 (gonadotropin releasing hormone 1; minus strand). Cytogenetic location: 8p21.2.
Variant type: single nucleotide variant.
Coding change: c.194C>T on transcript NM_001083111.2 (MANE Select); coding-DNA position 194, C replaced by T.
Protein change: p.Thr65Met; replaces threonine 65 with methionine.
Molecular consequence: missense variant.
Genome position (GRCh38, 1-based): chr8:25,421,616, G>A on the plus strand (C>T on the coding strand, the complement: GNRH1 is on the minus strand). VCF-style: chr8-25421616-G-A. GRCh37 (hg19) VCF-style: chr8-25279132-G-A.
Other names: c.206C>T, p.Thr69Met (NM_000825.3); short protein forms T69M, T65M.
Identifiers: ClinVar variation 2074405 (VCV002074405.4), dbSNP rs776710550, ClinGen allele CA4683632.

ClinVar aggregate classification (germline): Uncertain significance (1 of 4 stars; one submission).

Allele frequency attached by ClinVar (database versions not stated): gnomAD exomes 0.00002; gnomAD 0.00004; ExAC 0.00005; TOPMed 0.00005.
gnomAD v4.1: 37 of 1,606,382 alleles (0.0023%); highest among the groups gnomAD compares: Admixed American, 0.035%; no homozygotes.

Submission:

Labcorp Genetics (formerly Invitae), Labcorp
Classification: Uncertain significance. Last evaluated: 2025-07-29. Review status: criteria provided, single submitter. Criteria: Invitae Variant Classification Sherloc (09022015). Collection method: clinical testing. Allele origin: germline.
Comment: This sequence change replaces threonine, which is neutral and polar, with methionine, which is neutral and non-polar, at codon 69 of the GNRH1 protein (p.Thr69Met). This variant is present in population databases (rs776710550, gnomAD 0.03%). This variant has not been reported in the literature in individuals affected with GNRH1-related conditions. ClinVar contains an entry for this variant (Variation ID: 2074405). An algorithm developed to predict the effect of missense changes on protein structure and function outputs the following: PolyPhen-2: "Not Available". The methionine amino acid residue is found in multiple mammalian species, which suggests that this missense change does not adversely affect protein function. In summary, the available evidence is currently insufficient to determine the role of this variant in disease. Therefore, it has been classified as a Variant of Uncertain Significance.